The following is an entry in ClinVar:

NM_018425.4(PI4K2A):c.954T>A (p.Tyr318Ter)

Gene: PI4K2A (phosphatidylinositol 4-kinase type 2 alpha; plus strand). Cytogenetic location: 10q24.2.
Variant type: single nucleotide variant.
Coding change: c.954T>A on transcript NM_018425.4 (MANE Select); coding-DNA position 954, T replaced by A.
Protein change: p.Tyr318Ter; replaces tyrosine 318 with a stop codon.
Molecular consequence: nonsense.
Genome position (GRCh38, 1-based): chr10:97,662,938, T>A. VCF-style: chr10-97662938-T-A. GRCh37 (hg19) VCF-style: chr10-99422695-T-A.
Other names: short protein forms Y318*.
Identifiers: ClinVar variation 4854572 (VCV004854572.1).

ClinVar aggregate classification (germline): Pathogenic (1 of 4 stars; one submission).

Conditions:
Neurodevelopmental disorder with hyperkinetic movements, seizures, and structural brain abnormalities. Identifiers: MedGen C5935585, MONDO:0958240, OMIM 620732.

Submission:

3billion
Classification: Pathogenic for Neurodevelopmental disorder with hyperkinetic movements, seizures, and structural brain abnormalities. Last evaluated: 2025-07-25. Review status: criteria provided, single submitter. Criteria: ACMG Guidelines, 2015. Collection method: clinical testing. Allele origin: germline. Affected: yes.
Comment: The variant is not observed in the gnomAD v4.1.0 dataset. Predicted Consequence/Location: Stop-gained (nonsense): predicted to result in a loss or disruption of normal protein function through nonsense-mediated decay (NMD) or protein truncation. Multiple pathogenic variants are reported downstream of the variant. Therefore, this variant is classified as Pathogenic according to the recommendation of ACMG/AMP guideline.